The following is an entry in ClinVar:

ClinVar aggregate classification (germline): Uncertain significance (1 of 4 stars; one submission).

Allele frequency attached by ClinVar (database versions not stated): ExAC 0.00002; TOPMed 0.00002; gnomAD 0.00004; 1000 Genomes Project 0.00020; 1000 Genomes Project 30x 0.00031.
gnomAD v4.1: 18 of 1,614,190 alleles (0.0011%); highest among the groups gnomAD compares: South Asian, 0.0088%; no homozygotes.

Submission:

Labcorp Genetics (formerly Invitae), Labcorp
Classification: Uncertain significance. Last evaluated: 2022-03-14. Review status: criteria provided, single submitter. Criteria: Invitae Variant Classification Sherloc (09022015). Collection method: clinical testing. Allele origin: germline.
Comment: This sequence change replaces arginine, which is basic and polar, with histidine, which is basic and polar, at codon 122 of the ERCC6 protein (p.Arg122His). This variant is present in population databases (rs562828066, gnomAD 0.01%). This variant has not been reported in the literature in individuals affected with ERCC6-related conditions. Algorithms developed to predict the effect of missense changes on protein structure and function output the following: SIFT: "Tolerated"; PolyPhen-2: "Benign"; Align-GVGD: "Class C0". The histidine amino acid residue is found in multiple mammalian species, which suggests that this missense change does not adversely affect protein function. In summary, the available evidence is currently insufficient to determine the role of this variant in disease. Therefore, it has been classified as a Variant of Uncertain Significance.

NM_000124.4(ERCC6):c.365G>A (p.Arg122His)

Gene: ERCC6 (ERCC excision repair 6, chromatin remodeling factor; minus strand). Cytogenetic location: 10q11.23.
Variant type: single nucleotide variant.
Coding change: c.365G>A on transcript NM_000124.4 (MANE Select); coding-DNA position 365, G replaced by A.
Protein change: p.Arg122His; replaces arginine 122 with histidine.
Molecular consequence: missense variant.
Genome position (GRCh38, 1-based): chr10:49,532,600, C>T on the plus strand (G>A on the coding strand, the complement: ERCC6 is on the minus strand). VCF-style: chr10-49532600-C-T. GRCh37 (hg19) VCF-style: chr10-50740646-C-T.
Other names: c.365G>A, p.Arg122His (NM_001277058.2, NM_001277059.2, NM_001346440.2); short protein forms R122H.
Identifiers: ClinVar variation 2157850 (VCV002157850.1), dbSNP rs562828066, ClinGen allele CA5496566.